The following is an entry in ClinVar:

ClinVar aggregate classification (germline): Uncertain significance. Review status: criteria provided, multiple submitters, no conflicts (2 of 4 stars). 3 submissions from 3 submitters: Uncertain significance (3). Last evaluated 2024-12-03.

Conditions:
Epilepsy, idiopathic generalized, susceptibility to, 18. Identifiers: MedGen C5561983, MONDO:0030434, OMIM 619521.
Sick sinus syndrome 2, autosomal dominant (SSS2). Also called: SICK SINUS SYNDROME 2; SICK SINUS SYNDROME 2 WITH OR WITHOUT CARDIAC NONCOMPACTION AND/OR ASCENDING AORTA DILATION; ATRIAL FIBRILLATION WITH BRADYARRHYTHMIA; SINUS BRADYCARDIA SYNDROME, FAMILIAL, AUTOSOMAL DOMINANT; SINUS NODE DISEASE, FAMILIAL, AUTOSOMAL DOMINANT. Identifiers: Orphanet 166282, MedGen C1834144, MONDO:0008102, OMIM 163800.
Brugada syndrome 8 (BRGDA8). Identifiers: Orphanet 130, MedGen C2751083, MONDO:0013148, OMIM 613123.
Cardiovascular phenotype. Identifiers: MedGen CN230736.

Allele frequency attached by ClinVar (database versions not stated): gnomAD 0.00001; gnomAD exomes 0.00001 and 0.00006; TOPMed 0.00003; ExAC 0.00021.

Submissions (3):

Labcorp Genetics (formerly Invitae), Labcorp
Classification: Uncertain significance for Brugada syndrome 8. Last evaluated: 2024-12-03. Review status: criteria provided, single submitter. Criteria: Invitae Variant Classification Sherloc (09022015). Collection method: clinical testing. Allele origin: germline.
Comment: This sequence change replaces glycine, which is neutral and non-polar, with valine, which is neutral and non-polar, at codon 1024 of the HCN4 protein (p.Gly1024Val). This variant is present in population databases (rs775491475, gnomAD 0.04%). This variant has not been reported in the literature in individuals affected with HCN4-related conditions. ClinVar contains an entry for this variant (Variation ID: 571974). Invitae Evidence Modeling of protein sequence and biophysical properties (such as structural, functional, and spatial information, amino acid conservation, physicochemical variation, residue mobility, and thermodynamic stability) indicates that this missense variant is not expected to disrupt HCN4 protein function with a negative predictive value of 95%. In summary, the available evidence is currently insufficient to determine the role of this variant in disease. Therefore, it has been classified as a Variant of Uncertain Significance.

Department of Pathology and Laboratory Medicine, Sinai Health System
Classification: Uncertain significance for Sick sinus syndrome 2, autosomal dominant; Brugada syndrome 8; Epilepsy, idiopathic generalized, susceptibility to, 18. Last evaluated: 2023-04-03. Review status: criteria provided, single submitter. Criteria: ACMG Guidelines, 2015. Collection method: research. Allele origin: germline.

Ambry Genetics
Classification: Uncertain significance for Cardiovascular phenotype. Last evaluated: 2022-07-29. Review status: criteria provided, single submitter. Criteria: Ambry Variant Classification Scheme 2023. Collection method: clinical testing. Allele origin: germline.
Comment: The p.G1024V variant (also known as c.3071G>T), located in coding exon 8 of the HCN4 gene, results from a G to T substitution at nucleotide position 3071. The glycine at codon 1024 is replaced by valine, an amino acid with dissimilar properties. This amino acid position is conserved. In addition, the in silico prediction for this alteration is inconclusive. Since supporting evidence is limited at this time, the clinical significance of this alteration remains unclear.

NM_005477.3(HCN4):c.3071G>T (p.Gly1024Val)

Gene: HCN4 (hyperpolarization activated cyclic nucleotide gated potassium channel 4; minus strand). Cytogenetic location: 15q24.1.
Variant type: single nucleotide variant.
Coding change: c.3071G>T on transcript NM_005477.3 (MANE Select); coding-DNA position 3071, G replaced by T.
Protein change: p.Gly1024Val; replaces glycine 1024 with valine.
Molecular consequence: missense variant.
Genome position (GRCh38, 1-based): chr15:73,323,022, C>A on the plus strand (G>T on the coding strand, the complement: HCN4 is on the minus strand). VCF-style: chr15-73323022-C-A. GRCh37 (hg19) VCF-style: chr15-73615363-C-A.
Other names: short protein forms G1024V.
Identifiers: ClinVar variation 571974 (VCV000571974.12), dbSNP rs775491475, ClinGen allele CA7648889.